The following is an entry in ClinVar:

ClinVar aggregate classification (germline): Uncertain significance. Review status: criteria provided, multiple submitters, no conflicts (2 of 4 stars). 2 submissions from 2 submitters: Uncertain significance (2). Last evaluated 2025-09-04.

Conditions:
Inborn genetic diseases. Identifiers: MedGen C0950123, MeSH D030342.

Allele frequency attached by ClinVar (database versions not stated): ExAC 0.00001.

Submissions (2):

Ambry Genetics
Classification: Uncertain significance for Inborn genetic diseases. Last evaluated: 2025-09-04. Review status: criteria provided, single submitter. Criteria: Ambry Variant Classification Scheme 2023. Collection method: clinical testing. Allele origin: germline.

Labcorp Genetics (formerly Invitae), Labcorp
Classification: Uncertain significance. Last evaluated: 2022-07-28. Review status: criteria provided, single submitter. Criteria: Invitae Variant Classification Sherloc (09022015). Collection method: clinical testing. Allele origin: germline.
Comment: Algorithms developed to predict the effect of missense changes on protein structure and function are either unavailable or do not agree on the potential impact of this missense change (SIFT: "Not Available"; PolyPhen-2: "Benign"; Align-GVGD: "Not Available"). In summary, the available evidence is currently insufficient to determine the role of this variant in disease. Therefore, it has been classified as a Variant of Uncertain Significance. This sequence change replaces aspartic acid, which is acidic and polar, with asparagine, which is neutral and polar, at codon 646 of the TOP3A protein (p.Asp646Asn). This variant is present in population databases (rs749882877, gnomAD 0.0009%). This variant has not been reported in the literature in individuals affected with TOP3A-related conditions.

NM_004618.5(TOP3A):c.1936G>A (p.Asp646Asn)

Gene: TOP3A (DNA topoisomerase III alpha; minus strand). Cytogenetic location: 17p11.2.
Variant type: single nucleotide variant.
Coding change: c.1936G>A on transcript NM_004618.5 (MANE Select); coding-DNA position 1936, G replaced by A.
Protein change: p.Asp646Asn; replaces aspartic acid 646 with asparagine.
Molecular consequence: missense variant.
Genome position (GRCh38, 1-based): chr17:18,282,783, C>T on the plus strand (G>A on the coding strand, the complement: TOP3A is on the minus strand). VCF-style: chr17-18282783-C-T. GRCh37 (hg19) VCF-style: chr17-18186097-C-T.
Other names: c.1651G>A, p.Asp551Asn (NM_001320759.2); c.1936G>A (NM_004618.3); short protein forms D551N, D646N.
Identifiers: ClinVar variation 1921789 (VCV001921789.6), dbSNP rs749882877, ClinGen allele CA8429745.